The following is an entry in ClinVar:

ClinVar aggregate classification (germline): Uncertain significance. Review status: criteria provided, multiple submitters, no conflicts (2 of 4 stars). 3 submissions from 3 submitters: Uncertain significance (3). Last evaluated 2026-05-08.

Conditions:
Hereditary cancer-predisposing syndrome. Also called: Neoplastic Syndromes, Hereditary; Hereditary neoplastic syndrome; Hereditary Cancer Syndrome; Tumor predisposition. Identifiers: Orphanet 140162, MedGen C0027672, MeSH D009386, MONDO:0015356.
Familial cancer of breast. Also called: BREAST CANCER, FAMILIAL; Hereditary breast cancer; hereditary breast carcinoma. Identifiers: Orphanet 227535, MedGen C0346153, MONDO:0016419, OMIM 114480. Disease mechanism: loss of function.
Hereditary diffuse gastric adenocarcinoma (HDGC). Also called: DIFFUSE GASTRIC AND LOBULAR BREAST CANCER SYNDROME. Identifiers: Orphanet 26106, MedGen C1708349, MONDO:0007648, OMIM 137215.

Allele frequency attached by ClinVar (database versions not stated): gnomAD exomes below 0.00001.
gnomAD v4.1: 1 of 1,613,930 alleles (0.000062%); highest among the groups gnomAD compares: Middle Eastern, 0.017%; no homozygotes.

Submissions (3):

Ambry Genetics
Classification: Uncertain significance for Hereditary cancer-predisposing syndrome. Last evaluated: 2026-05-08. Review status: criteria provided, single submitter. Criteria: Ambry Variant Classification Scheme 2023. Collection method: clinical testing. Allele origin: germline.
Comment: The p.S559N variant (also known as c.1676G>A), located in coding exon 11 of the CDH1 gene, results from a G to A substitution at nucleotide position 1676. The serine at codon 559 is replaced by asparagine, an amino acid with highly similar properties. This variant was reported in individual(s) with features consistent with CDH1-related diffuse gastric and lobular breast cancer (DGLBC) (Guindalini RSC et al. Gastric Cancer, 2019 Sep;22:920-931). This amino acid position is poorly conserved in available vertebrate species. In addition, this alteration is predicted to be tolerated by in silico analysis. Based on the available evidence, the clinical significance of this variant remains unclear.

Labcorp Genetics (formerly Invitae), Labcorp
Classification: Uncertain significance for Hereditary diffuse gastric adenocarcinoma. Last evaluated: 2024-05-18. Review status: criteria provided, single submitter. Criteria: Invitae Variant Classification Sherloc (09022015). Collection method: clinical testing. Allele origin: germline.
Comment: This sequence change replaces serine, which is neutral and polar, with asparagine, which is neutral and polar, at codon 559 of the CDH1 protein (p.Ser559Asn). This variant is not present in population databases (gnomAD no frequency). This missense change has been observed in individual(s) with diffuse gastric cancer (PMID: 30895400). ClinVar contains an entry for this variant (Variation ID: 819766). Algorithms developed to predict the effect of missense changes on protein structure and function output the following: SIFT: "Not Available"; PolyPhen-2: "Benign"; Align-GVGD: "Not Available". The asparagine amino acid residue is found in multiple mammalian species, which suggests that this missense change does not adversely affect protein function. In summary, the available evidence is currently insufficient to determine the role of this variant in disease. Therefore, it has been classified as a Variant of Uncertain Significance.

Baylor Genetics
Classification: Uncertain significance for Familial cancer of breast. Last evaluated: 2023-05-17. Review status: criteria provided, single submitter. Criteria: ACMG Guidelines, 2015. Collection method: clinical testing. Allele origin: unknown.

Literature cited by the submitters: PubMed 30895400 (cited by Ambry Genetics and Labcorp Genetics (formerly Invitae), Labcorp).

NM_004360.5(CDH1):c.1676G>A (p.Ser559Asn)

Gene: CDH1 (cadherin 1; plus strand). Cytogenetic location: 16q22.1.
Variant type: single nucleotide variant.
Coding change: c.1676G>A on transcript NM_004360.5 (MANE Select); coding-DNA position 1676, G replaced by A.
Protein change: p.Ser559Asn; replaces serine 559 with asparagine.
Molecular consequence: missense variant. On other transcripts: intron variant (1).
Genome position (GRCh38, 1-based): chr16:68,819,390, G>A. VCF-style: chr16-68819390-G-A. GRCh37 (hg19) VCF-style: chr16-68853293-G-A.
Other names: c.1493G>A, p.Ser498Asn (NM_001317184.2); c.128G>A, p.Ser43Asn (NM_001317185.2); c.-254-2611G>A (NM_001317186.2); short protein forms S559N, S43N, S498N.
Identifiers: ClinVar variation 819766 (VCV000819766.8), dbSNP rs1596960625, ClinGen allele CA396465334.